The following is an entry in ClinVar:

NM_002691.4(POLD1):c.3035G>A (p.Cys1012Tyr)

Gene: POLD1 (DNA polymerase delta 1, catalytic subunit; plus strand). Cytogenetic location: 19q13.33.
Variant type: single nucleotide variant.
Coding change: c.3035G>A on transcript NM_002691.4 (MANE Select); coding-DNA position 3035, G replaced by A.
Protein change: p.Cys1012Tyr; replaces cysteine 1012 with tyrosine.
Molecular consequence: missense variant. On other transcripts: non-coding transcript variant (1).
Genome position (GRCh38, 1-based): chr19:50,416,691, G>A. VCF-style: chr19-50416691-G-A. GRCh37 (hg19) VCF-style: chr19-50919948-G-A.
Other names: c.3035G>A, p.Cys1012Tyr (NM_001256849.1); c.3113G>A, p.Cys1038Tyr (NM_001308632.1); short protein forms C1012Y, C1038Y.
Identifiers: ClinVar variation 375857 (VCV000375857.11), dbSNP rs1057519693, ClinGen allele CA16602355.

ClinVar aggregate classification (germline): Uncertain significance. Review status: criteria provided, multiple submitters, no conflicts (2 of 4 stars). 3 submissions from 3 submitters: Uncertain significance (2). 1 of the submissions does not count toward it. Last evaluated 2025-12-29.

Conditions:
Colorectal cancer. Also called: Malignant Colorectal Neoplasm; Colorectal cancer, somatic. Identifiers: MedGen C0346629, MONDO:0005575, OMIM 114500.
POLD1-related polyposis and colorectal cancer syndrome (CRCS10). Also called: Colorectal cancer, susceptibility to, 10; Colorectal cancer 10; COLORECTAL CANCER, SUSCEPTIBILITY TO, ON CHROMOSOME 19q. Identifiers: Orphanet 220460, MedGen C2675481, MONDO:0012953, OMIM 612591.

Allele frequency attached by ClinVar (database versions not stated): gnomAD exomes below 0.00001; gnomAD 0.00001; TOPMed 0.00001.
gnomAD v4.1: 2 of 1,546,668 alleles (0.00013%); highest among the groups gnomAD compares: Non-Finnish European, 0.00017%; no homozygotes.

Submissions (3):

Center for Genomic Medicine, Rigshospitalet, Copenhagen University Hospital
Classification: Uncertain significance. Last evaluated: 2025-12-29. Review status: criteria provided, single submitter. Criteria: ACMG Guidelines, 2015. Collection method: clinical testing. Allele origin: germline.
Comment: Classification criteria: PM2_supporting, PP3

Labcorp Genetics (formerly Invitae), Labcorp
Classification: Uncertain significance for POLD1-related polyposis and colorectal cancer syndrome. Last evaluated: 2023-12-04. Review status: criteria provided, single submitter. Criteria: Invitae Variant Classification Sherloc (09022015). Collection method: clinical testing. Allele origin: germline.
Comment: This sequence change replaces cysteine, which is neutral and slightly polar, with tyrosine, which is neutral and polar, at codon 1012 of the POLD1 protein (p.Cys1012Tyr). This variant is present in population databases (no rsID available, gnomAD 0.007%). This variant has not been reported in the literature in individuals affected with POLD1-related conditions. ClinVar contains an entry for this variant (Variation ID: 375857). Advanced modeling of protein sequence and biophysical properties (such as structural, functional, and spatial information, amino acid conservation, physicochemical variation, residue mobility, and thermodynamic stability) performed at Invitae indicates that this missense variant is expected to disrupt POLD1 protein function with a positive predictive value of 80%. In summary, the available evidence is currently insufficient to determine the role of this variant in disease. Therefore, it has been classified as a Variant of Uncertain Significance.

CSER _CC_NCGL, University of Washington
Classification: Uncertain significance for Colorectal cancer. Last evaluated: 2016-08-01. Review status: no assertion criteria provided. Collection method: research. Allele origin: germline. Inheritance: Autosomal dominant inheritance. Study: CSER - NEXT Medicine variant annotation. Not counted in ClinVar's aggregate classification.
Comment: Not in exonuclease domain.